The following is an entry in ClinVar:

NM_001903.5(CTNNA1):c.1547-1G>A

Gene: CTNNA1 (catenin alpha 1; plus strand). Cytogenetic location: 5q31.2.
Variant type: single nucleotide variant.
Coding change: c.1547-1G>A on transcript NM_001903.5 (MANE Select); the canonical splice acceptor site of the intron before coding-DNA position 1547, G replaced by A.
Molecular consequence: splice acceptor variant.
Genome position (GRCh38, 1-based): chr5:138,924,509, G>A. VCF-style: chr5-138924509-G-A. GRCh37 (hg19) VCF-style: chr5-138260198-G-A.
Other names: c.1547-1G>A (NM_001323983.1, NM_001323982.2, NM_001323984.2 and 2 more transcripts); c.437-1G>A (NM_001323996.1, NM_001323993.1, NM_001324005.1 and 17 more transcripts); c.98-1G>A (NM_001324007.1, NM_001324009.1, NM_001324006.1 and 2 more transcripts); c.194-1G>A (NM_001324013.1, NM_001324012.1); c.344-1G>A (NM_001324011.1); c.1454-1G>A (NM_001323986.2); c.1178-1G>A (NM_001290310.3); c.1238-1G>A (NM_001290309.3).
Identifiers: ClinVar variation 4843852 (VCV004843852.1).

ClinVar aggregate classification (germline): Likely pathogenic (1 of 4 stars; one submission).

Conditions:
Hereditary cancer-predisposing syndrome. Also called: Neoplastic Syndromes, Hereditary; Tumor predisposition; Hereditary Cancer Syndrome; Hereditary neoplastic syndrome. Identifiers: Orphanet 140162, MedGen C0027672, MeSH D009386, MONDO:0015356.

Submission:

Ambry Genetics
Classification: Likely pathogenic for Hereditary cancer-predisposing syndrome. Last evaluated: 2025-12-23. Review status: criteria provided, single submitter. Criteria: Ambry Variant Classification Scheme 2023. Collection method: clinical testing. Allele origin: germline.
Comment: The c.1547-1G>A intronic variant results from a G to A substitution one nucleotide upstream from coding exon 11 of the CTNNA1 gene. This nucleotide position is highly conserved in available vertebrate species. In silico splice site analysis predicts that this alteration will weaken the native splice acceptor site and will result in the creation or strengthening of a novel splice acceptor site. This variant is considered to be rare based on population cohorts in the Genome Aggregation Database (gnomAD). Alterations that disrupt the canonical splice site are expected to cause aberrant splicing, resulting in an abnormal protein or a transcript that is subject to nonsense-mediated mRNA decay. As such, this alteration is classified as likely pathogenic.